The following is an entry in ClinVar:

ClinVar aggregate classification (germline): Uncertain significance (1 of 4 stars; one submission).

Allele frequency attached by ClinVar (database versions not stated): gnomAD exomes below 0.00001.
gnomAD v4.1: 3 of 1,614,074 alleles (0.00019%); highest among the groups gnomAD compares: Non-Finnish European, 0.00017%; no homozygotes.

Submission:

Laboratory for Molecular Medicine, Mass General Brigham Personalized Medicine
Classification: Uncertain significance. Last evaluated: 2012-11-30. Review status: criteria provided, single submitter. Criteria: LMM Criteria. Collection method: clinical testing. Allele origin: germline. Observed: 1 variant allele.
Comment: The Glu3054Lys variant in TTN has not been reported in the literature nor previo usly identified by our laboratory. This variant has not been identified in large and broad European American and African American populations by the NHLBI Exome Sequencing Project, though it remains possi ble that this variant is common in other populations. Computational analyses (bi ochemical amino acid properties, conservation, AlignGVGD, PolyPhen2, and SIFT) s uggest that the Glu3054Lys variant may impact the protein, though this informati on is not predictive enough to determine pathogenicity. In summary, additional i nformation is needed to fully assess the clinical significance of this variant.

NM_001267550.2(TTN):c.9160G>A (p.Glu3054Lys)

Gene: TTN (titin; minus strand). Cytogenetic location: 2q31.2.
Variant type: single nucleotide variant.
Coding change: c.9160G>A on transcript NM_001267550.2 (MANE Select); coding-DNA position 9160, G replaced by A.
Protein change: p.Glu3054Lys; replaces glutamic acid 3054 with lysine.
Molecular consequence: missense variant.
Genome position (GRCh38, 1-based): chr2:178,768,676, C>T on the plus strand (G>A on the coding strand, the complement: TTN is on the minus strand). VCF-style: chr2-178768676-C-T. GRCh37 (hg19) VCF-style: chr2-179633403-C-T.
Other names: c.9160G>A, p.Glu3054Lys (NM_001256850.1, NM_133379.5, NM_133378.4); c.9022G>A, p.Glu3008Lys (NM_003319.4, NM_133432.3, NM_133437.4); short protein forms E3054K, E3008K.
Identifiers: ClinVar variation 47615 (VCV000047615.5), dbSNP rs397517779, ClinGen allele CA141503.